The following is an entry in ClinVar:

ClinVar aggregate classification (germline): Uncertain significance. Review status: criteria provided, multiple submitters, no conflicts (2 of 4 stars). 2 submissions from 2 submitters: Uncertain significance (2). Last evaluated 2025-10-27.

Conditions:
Hereditary cancer-predisposing syndrome. Also called: Tumor predisposition; Neoplastic Syndromes, Hereditary; Hereditary Cancer Syndrome; Hereditary neoplastic syndrome. Identifiers: Orphanet 140162, MedGen C0027672, MeSH D009386, MONDO:0015356.
Multiple endocrine neoplasia, type 1 (MEN1). Also called: MEA I; MEN I; WERMER SYNDROME; Endocrine adenomatosis multiple; MEN 1. Identifiers: Orphanet 652, MedGen C0025267, MeSH D018761, MONDO:0007540, OMIM 131100.

Submissions (2):

Color Diagnostics, LLC DBA Color Health
Classification: Uncertain significance for Multiple endocrine neoplasia, type 1. Last evaluated: 2025-10-27. Review status: criteria provided, single submitter. Criteria: ACMG Guidelines, 2015. Collection method: clinical testing. Allele origin: germline.
Comment: This missense variant replaces threonine with serine at codon 56 of the MEN1 protein. Computational prediction suggests that this variant may not impact protein structure and function. To our knowledge, functional studies have not been reported for this variant. This variant has not been reported in individuals affected with MEN1-related disorders in the literature. This variant has not been identified in the general population by the Genome Aggregation Database (gnomAD). The available evidence is insufficient to determine the role of this variant in disease conclusively. Therefore, this variant is classified as a Variant of Uncertain Significance.

Ambry Genetics
Classification: Uncertain significance for Hereditary cancer-predisposing syndrome. Last evaluated: 2023-07-21. Review status: criteria provided, single submitter. Criteria: Ambry Variant Classification Scheme 2023. Collection method: clinical testing. Allele origin: germline.
Comment: The p.T56S variant (also known as c.166A>T), located in coding exon 1 of the MEN1 gene, results from an A to T substitution at nucleotide position 166. The threonine at codon 56 is replaced by serine, an amino acid with similar properties. This amino acid position is conserved. In addition, the in silico prediction for this alteration is inconclusive. Since supporting evidence is limited at this time, the clinical significance of this alteration remains unclear.

NM_001370259.2(MEN1):c.166A>T (p.Thr56Ser)

Gene: MEN1 (menin 1; minus strand). Cytogenetic location: 11q13.1.
Variant type: single nucleotide variant.
Coding change: c.166A>T on transcript NM_001370259.2 (MANE Select); coding-DNA position 166, A replaced by T.
Protein change: p.Thr56Ser; replaces threonine 56 with serine.
Molecular consequence: missense variant. On other transcripts: non-coding transcript variant (4).
Genome position (GRCh38, 1-based): chr11:64,809,944, T>A on the plus strand (A>T on the coding strand, the complement: MEN1 is on the minus strand). VCF-style: chr11-64809944-T-A. GRCh37 (hg19) VCF-style: chr11-64577416-T-A.
Other names: c.166A>T, p.Thr56Ser (NM_000244.4, NM_001370251.2, NM_001370260.2 and 20 more transcripts); short protein forms T56S.
Identifiers: ClinVar variation 2626593 (VCV002626593.3), dbSNP rs1396921906, ClinGen allele CA381187733.